The following is an entry in ClinVar:

NM_006073.4(TRDN):c.484+41C>T

Gene: TRDN (triadin; minus strand). Cytogenetic location: 6q22.31.
Variant type: single nucleotide variant.
Coding change: c.484+41C>T on transcript NM_006073.4 (MANE Select); 41 bases into the intron after coding-DNA position 484, C replaced by T.
Molecular consequence: intron variant.
Genome position (GRCh38, 1-based): chr6:123,530,465, G>A on the plus strand (C>T on the coding strand, the complement: TRDN is on the minus strand). VCF-style: chr6-123530465-G-A. GRCh37 (hg19) VCF-style: chr6-123851610-G-A.
Other names: c.484+41C>T (NM_001251987.2, NM_001256020.2, NM_001256021.2 and 1 more transcripts).
Identifiers: ClinVar variation 674813 (VCV000674813.5), dbSNP rs12198167, ClinGen allele CA3984374.
Genomic context (GRCh38, chr6:123,530,465, plus strand): 5'-CAAAAATGTTACAAAAACACTAAACATGAAATTTTTTCTCGCATATGAATACACAAAAAT[G>A]TATATCTAAATGAAGAATAAACATAAAATGAAATGTTTACCTTTAGTTTGTATTTTCCTT-3'

ClinVar aggregate classification (germline): Benign. Review status: criteria provided, multiple submitters, no conflicts (2 of 4 stars). 3 submissions from 3 submitters: Benign (3). Last evaluated 2024-04-23.

Conditions:
Catecholaminergic polymorphic ventricular tachycardia 5 (CARDAR). Also called: Ventricular tachycardia, catecholaminergic polymorphic, 5, with or without muscle weakness; CARDIAC ARRHYTHMIA SYNDROME, WITH OR WITHOUT SKELETAL MUSCLE WEAKNESS. Identifiers: Orphanet 3286, MedGen C3809536, MONDO:0014191, OMIM 615441.

Allele frequency attached by ClinVar (database versions not stated): 1000 Genomes Project 0.49740; 1000 Genomes Project 30x 0.50187; ExAC 0.55356; TOPMed 0.56259; gnomAD 0.56574 and 0.56890; gnomAD exomes 0.57269 and 0.61710.
gnomAD v4.1: 676,490 of 1,110,236 alleles (61%); highest among the groups gnomAD compares: Non-Finnish European, 64%; 211,806 homozygotes.

Submissions (3):

Women's Health and Genetics/Laboratory Corporation of America, LabCorp
Classification: Benign. Last evaluated: 2024-04-23. Review status: criteria provided, single submitter. Criteria: LabCorp Variant Classification Summary - May 2015. Collection method: clinical testing. Allele origin: germline.

Genome-Nilou Lab
Classification: Benign for Catecholaminergic polymorphic ventricular tachycardia 5. Last evaluated: 2021-09-10. Review status: criteria provided, single submitter. Criteria: ACMG Guidelines, 2015. Collection method: clinical testing. Allele origin: germline. Affected: no.

GeneDx
Classification: Benign. Last evaluated: 2018-06-14. Review status: criteria provided, single submitter. Criteria: GeneDx Variant Classification (06012015). Collection method: clinical testing. Allele origin: germline. Affected: yes.
Comment: This variant is considered likely benign or benign based on one or more of the following criteria: it is a conservative change, it occurs at a poorly conserved position in the protein, it is predicted to be benign by multiple in silico algorithms, and/or has population frequency not consistent with disease.